The following is an entry in ClinVar:

ClinVar aggregate classification (germline): Uncertain significance. Review status: criteria provided, multiple submitters, no conflicts (2 of 4 stars). 4 submissions from 4 submitters: Uncertain significance (4). Last evaluated 2026-07-09.

Conditions:
Inborn genetic diseases. Identifiers: MedGen C0950123, MeSH D030342.
Vesicoureteral reflux 2 (VUR2). Identifiers: Orphanet 289365, MedGen C1970483, MONDO:0012573, OMIM 610878.

Allele frequency attached by ClinVar (database versions not stated): gnomAD 0.00001; ExAC 0.00002; TOPMed 0.00002; gnomAD exomes 0.00007.
gnomAD v4.1: 103 of 1,614,040 alleles (0.0064%); highest among the groups gnomAD compares: Non-Finnish European, 0.0081%; no homozygotes.

Submissions (4):

Medical Genetics, Marmara University School Of Medicine
Classification: Uncertain significance for Vesicoureteral reflux 2. Last evaluated: 2026-07-09. Review status: criteria provided, single submitter. Criteria: Variant Classification Assertion Criteria, v1. Collection method: research. Allele origin: unknown, maternal. Affected: no and yes. Observed: 3 variant alleles, 3 heterozygotes. Clinical features observed: Ureteropelvic junction obstruction, Craniofacial dysmorphism, Right kidney hypoplasia, Bilateral thumb brachydactyly. Segregation with disease not observed.
Comment: Heterozygous missense variant NM_001395656.1:c.3115T>C p.(Tyr1039His) in ROBO2, within the fibronectin type-III repeats that mediate SLIT2 binding. Classified as uncertain significance per ACMG/AMP: PM2_Supporting (gnomAD v4.1 AF 0.00006806), PP3_Moderate (REVEL 0.796, AlphaMissense 0.638, CADD 28.4). Identified together with an intronic NOTCH2 variant (c.4512-3T>G) in two affected siblings, both inherited from their unaffected mother; Transmission from an unaffected mother to two affected siblings provides minimal segregation information, and the association between heterozygous ROBO2 variants and vesicoureteral reflux/CAKUT has not replicated consistently in the literature (PMID:17357069; PMID:18235093; PMID:27002985); ROBO2 is assigned to the low-evidence tier of the Genomics England renal and urinary tract panel. Individual-level observations are reported on the CaseData tab under this Linking ID.

Fulgent Genetics
Classification: Uncertain significance for Vesicoureteral reflux 2. Last evaluated: 2024-01-30. Review status: criteria provided, single submitter. Criteria: ACMG Guidelines, 2015. Collection method: clinical testing. Allele origin: germline.

Labcorp Genetics (formerly Invitae), Labcorp
Classification: Uncertain significance. Last evaluated: 2023-04-11. Review status: criteria provided, single submitter. Criteria: Invitae Variant Classification Sherloc (09022015). Collection method: clinical testing. Allele origin: germline.
Comment: This sequence change replaces tyrosine, which is neutral and polar, with histidine, which is basic and polar, at codon 1035 of the ROBO2 protein (p.Tyr1035His). This variant is present in population databases (rs772491160, gnomAD 0.007%). This variant has not been reported in the literature in individuals affected with ROBO2-related conditions. Advanced modeling of protein sequence and biophysical properties (such as structural, functional, and spatial information, amino acid conservation, physicochemical variation, residue mobility, and thermodynamic stability) performed at Invitae indicates that this missense variant is not expected to disrupt ROBO2 protein function. In summary, the available evidence is currently insufficient to determine the role of this variant in disease. Therefore, it has been classified as a Variant of Uncertain Significance.

Ambry Genetics
Classification: Uncertain significance for Inborn genetic diseases. Last evaluated: 2023-02-15. Review status: criteria provided, single submitter. Criteria: Ambry Variant Classification Scheme 2023. Collection method: clinical testing. Allele origin: germline.

Literature cited by the submitters: PubMed 17357069 (cited by Medical Genetics, Marmara University School Of Medicine); PubMed 18235093 (cited by Medical Genetics, Marmara University School Of Medicine); PubMed 27002985 (cited by Medical Genetics, Marmara University School Of Medicine).

NM_001395656.1(ROBO2):c.3115T>C (p.Tyr1039His)

Gene: ROBO2 (roundabout guidance receptor 2; plus strand). Cytogenetic location: 3p12.3.
Variant type: single nucleotide variant.
Coding change: c.3115T>C on transcript NM_001395656.1 (MANE Select); coding-DNA position 3115, T replaced by C.
Protein change: p.Tyr1039His; replaces tyrosine 1039 with histidine.
Molecular consequence: missense variant.
Genome position (GRCh38, 1-based): chr3:77,602,458, T>C. VCF-style: chr3-77602458-T-C. GRCh37 (hg19) VCF-style: chr3-77651609-T-C.
Other names: c.3151T>C, p.Tyr1051His (NM_001128929.3); c.3115T>C, p.Tyr1039His (NM_001290039.2, NM_001290040.2, NM_001378202.1); c.1324T>C, p.Tyr442His (NM_001290065.2); c.3163T>C, p.Tyr1055His (NM_001378190.1, NM_001378191.1, NM_001378195.1 and 4 more transcripts); c.3184T>C, p.Tyr1062His (NM_001378192.1, NM_001378194.1, NM_001378198.1 and 2 more transcripts); c.3103T>C, p.Tyr1035His (NM_001378193.1, NM_001378197.1, NM_002942.5); c.3172T>C, p.Tyr1058His (NM_001394212.1, NM_001394214.1, NM_001395657.1); short protein forms Y1035H, Y1058H, Y1062H, Y442H, Y1039H, Y1051H, Y1055H.
Identifiers: ClinVar variation 2464798 (VCV002464798.7), dbSNP rs772491160, ClinGen allele CA2497520.